The following is an entry in ClinVar:

NM_000222.3(KIT):c.2696+6A>T

Gene: KIT (KIT proto-oncogene, receptor tyrosine kinase; plus strand). Cytogenetic location: 4q12.
Variant type: single nucleotide variant.
Coding change: c.2696+6A>T on transcript NM_000222.3 (MANE Select); 6 bases into the intron after coding-DNA position 2696, A replaced by T.
Molecular consequence: intron variant.
Genome position (GRCh38, 1-based): chr4:54,736,826, A>T. VCF-style: chr4-54736826-A-T. GRCh37 (hg19) VCF-style: chr4-55602992-A-T.
Other names: c.2699+6A>T (NM_001385284.1); c.2696+6A>T (NM_001385290.1); c.2687+6A>T (NM_001385288.1); c.2684+6A>T (NM_001385292.1, NM_001093772.2); c.2693+6A>T (NM_001385285.1); c.2681+6A>T (NM_001385286.1).
Identifiers: ClinVar variation 1493002 (VCV001493002.6), dbSNP rs2109812781, ClinGen allele CA2573138301.

ClinVar aggregate classification (germline): Uncertain significance (1 of 4 stars; one submission).

Conditions:
Gastrointestinal stromal tumor. Also called: Gastrointestinal stroma tumor; Gastrointestinal stromal tumor, somatic. Identifiers: Orphanet 44890, MedGen C0238198, MeSH D046152, MONDO:0011719, OMIM 606764, HP:0100723.

Submission:

Labcorp Genetics (formerly Invitae), Labcorp
Classification: Uncertain significance for Gastrointestinal stromal tumor. Last evaluated: 2025-10-01. Review status: criteria provided, single submitter. Criteria: Invitae Variant Classification Sherloc (09022015). Collection method: clinical testing. Allele origin: germline.
Comment: This sequence change falls in intron 19 of the KIT gene. It does not directly change the encoded amino acid sequence of the KIT protein. It affects a nucleotide within the consensus splice site. This variant is not present in population databases (gnomAD no frequency). This variant has not been reported in the literature in individuals affected with KIT-related conditions. ClinVar contains an entry for this variant (Variation ID: 1493002). Variants that disrupt the consensus splice site are a relatively common cause of aberrant splicing (PMID: 17576681, 9536098). Algorithms developed to predict the effect of sequence changes on RNA splicing suggest that this variant is not likely to affect RNA splicing. In summary, the available evidence is currently insufficient to determine the role of this variant in disease. Therefore, it has been classified as a Variant of Uncertain Significance.

Literature cited by the submitters: PubMed 17576681; PubMed 9536098.